The following is an entry in ClinVar:

NM_006361.6(HOXB13):c.602-10C>T

Gene: HOXB13 (homeobox B13; minus strand). Cytogenetic location: 17q21.32.
Variant type: single nucleotide variant.
Coding change: c.602-10C>T on transcript NM_006361.6 (MANE Select); 10 bases into the intron before coding-DNA position 602, C replaced by T.
Molecular consequence: intron variant.
Genome position (GRCh38, 1-based): chr17:48,727,053, G>A on the plus strand (C>T on the coding strand, the complement: HOXB13 is on the minus strand). VCF-style: chr17-48727053-G-A. GRCh37 (hg19) VCF-style: chr17-46804415-G-A.
Identifiers: ClinVar variation 1078397 (VCV001078397.10), dbSNP rs780449618, ClinGen allele CA8633946.

ClinVar aggregate classification (germline): Likely benign. Review status: criteria provided, multiple submitters, no conflicts (2 of 4 stars). 2 submissions from 2 submitters: Likely benign (2). Last evaluated 2025-10-07.

Conditions:
Prostate cancer, hereditary, 9 (HPC9). Identifiers: Orphanet 1331, MedGen C1970250, MONDO:0012597, OMIM 610997.

Allele frequency attached by ClinVar (database versions not stated): TOPMed below 0.00001; gnomAD exomes 0.00001; ExAC 0.00002.

Submissions (2):

Labcorp Genetics (formerly Invitae), Labcorp
Classification: Likely benign. Last evaluated: 2025-10-07. Review status: criteria provided, single submitter. Criteria: Invitae Variant Classification Sherloc (09022015). Collection method: clinical testing. Allele origin: germline.

Myriad Genetics, Inc.
Classification: Likely benign for Prostate cancer, hereditary, 9. Last evaluated: 2024-10-30. Review status: criteria provided, single submitter. Criteria: Myriad Autosomal Dominant, Autosomal Recessive and X-Linked Classification Criteria (2023). Collection method: clinical testing. Allele origin: unknown.
Comment: This variant is considered likely benign. This variant is intronic and is not expected to impact mRNA splicing.